The following is an entry in ClinVar:

NM_002528.7(NTHL1):c.346C>T (p.Pro116Ser)

Gene: NTHL1 (nth like DNA glycosylase 1; minus strand). Cytogenetic location: 16p13.3.
Variant type: single nucleotide variant.
Coding change: c.346C>T on transcript NM_002528.7 (MANE Select); coding-DNA position 346, C replaced by T.
Protein change: p.Pro116Ser; replaces proline 116 with serine.
Molecular consequence: missense variant. On other transcripts: intron variant (1).
Genome position (GRCh38, 1-based): chr16:2,046,136, G>A on the plus strand (C>T on the coding strand, the complement: NTHL1 is on the minus strand). VCF-style: chr16-2046136-G-A. GRCh37 (hg19) VCF-style: chr16-2096137-G-A.
Other names: c.346C>T, p.Pro116Ser (NM_001318193.2); c.24+144C>T (NM_001318194.2); short protein forms P116S.
Identifiers: ClinVar variation 1035002 (VCV001035002.12), dbSNP rs143696592, ClinGen allele CA394295069.

ClinVar aggregate classification (germline): Uncertain significance. Review status: criteria provided, multiple submitters, no conflicts (2 of 4 stars). 2 submissions from 2 submitters: Uncertain significance (2). Last evaluated 2024-12-31.

Conditions:
Hereditary cancer-predisposing syndrome. Also called: Hereditary neoplastic syndrome; Neoplastic Syndromes, Hereditary; Tumor predisposition; Hereditary Cancer Syndrome. Identifiers: Orphanet 140162, MedGen C0027672, MeSH D009386, MONDO:0015356.

Submissions (2):

Ambry Genetics
Classification: Uncertain significance for Hereditary cancer-predisposing syndrome. Last evaluated: 2024-12-31. Review status: criteria provided, single submitter. Criteria: Ambry Variant Classification Scheme 2023. Collection method: clinical testing. Allele origin: germline.
Comment: The p.P124S variant (also known as c.370C>T), located in coding exon 2 of the NTHL1 gene, results from a C to T substitution at nucleotide position 370. The proline at codon 124 is replaced by serine, an amino acid with similar properties. This amino acid position is conserved. In addition, this alteration is predicted to be tolerated by in silico analysis. Since supporting evidence is limited at this time, the clinical significance of this alteration remains unclear.

Labcorp Genetics (formerly Invitae), Labcorp
Classification: Uncertain significance. Last evaluated: 2024-10-05. Review status: criteria provided, single submitter. Criteria: Invitae Variant Classification Sherloc (09022015). Collection method: clinical testing. Allele origin: germline.
Comment: This sequence change replaces proline, which is neutral and non-polar, with serine, which is neutral and polar, at codon 124 of the NTHL1 protein (p.Pro124Ser). This variant is not present in population databases (gnomAD no frequency). This variant has not been reported in the literature in individuals affected with NTHL1-related conditions. ClinVar contains an entry for this variant (Variation ID: 1035002). An algorithm developed to predict the effect of missense changes on protein structure and function outputs the following: PolyPhen-2: "Benign". The serine amino acid residue is found in multiple mammalian species, which suggests that this missense change does not adversely affect protein function. In summary, the available evidence is currently insufficient to determine the role of this variant in disease. Therefore, it has been classified as a Variant of Uncertain Significance.